The following is an entry in ClinVar:

ClinVar aggregate classification (germline): Benign. Review status: criteria provided, multiple submitters, no conflicts (2 of 4 stars). 2 submissions from 2 submitters: Benign (2). Last evaluated 2018-01-12.

Conditions:
Warburg micro syndrome 1 (WARBM1). Identifiers: Orphanet 2510, MedGen C1838625, MONDO:0010822, OMIM 600118.

Allele frequency attached by ClinVar (database versions not stated): gnomAD exomes 0.00074 and 0.00116; ExAC 0.00092; gnomAD 0.00600 and 0.00645; TOPMed 0.00689; 1000 Genomes Project 0.00699; 1000 Genomes Project 30x 0.00812.
gnomAD v4.1: 1,136 of 455,958 alleles (0.25%); highest among the groups gnomAD compares: African/African-American, 2.1%; 12 homozygotes.

Submissions (2):

Illumina Laboratory Services, Illumina
Classification: Benign for Warburg micro syndrome 1. Last evaluated: 2018-01-12. Review status: criteria provided, single submitter. Criteria: ICSL Variant Classification Criteria 13 December 2019. Collection method: clinical testing. Allele origin: germline.
Comment: This variant was observed in the ICSL laboratory as part of a predisposition screen in an ostensibly healthy population. It had not been previously curated by ICSL or reported in the Human Gene Mutation Database (HGMD: prior to June 1st, 2018), and was therefore a candidate for classification through an automated scoring system. Utilizing variant allele frequency, disease prevalence and penetrance estimates, and inheritance mode, an automated score was calculated to assess if this variant is too frequent to cause the disease. Based on the score and internal cut-off values, a variant classified as benign is not then subjected to further curation. The score for this variant resulted in a classification of benign for this disease.

Breakthrough Genomics
Classification: Benign. Review status: criteria provided, single submitter. Criteria: ACMG Guidelines, 2015. Collection method: not provided. Allele origin: germline. Inheritance: Autosomal recessive inheritance. Affected: yes.

NM_012233.3(RAB3GAP1):c.*992G>A

Gene: RAB3GAP1 (RAB3 GTPase activating protein catalytic subunit 1; plus strand). Cytogenetic location: 2q21.3.
Variant type: single nucleotide variant.
Coding change: c.*992G>A on transcript NM_012233.3 (MANE Select); 992 bases downstream of the stop codon, G replaced by A.
Molecular consequence: 3 prime UTR variant.
Genome position (GRCh38, 1-based): chr2:135,169,773, G>A. VCF-style: chr2-135169773-G-A. GRCh37 (hg19) VCF-style: chr2-135927343-G-A.
Other names: c.*992G>A (NM_001172435.2).
Identifiers: ClinVar variation 894393 (VCV000894393.5), dbSNP rs11558414, ClinGen allele CA1885242.